The following is an entry in ClinVar:

NC_000017.10:g.(?_63526088)_(63554744_?)dup

Genes: AXIN2 (axin 2; minus strand), LOC129390913 (MPRA-validated peak2942 silencer; plus strand). Cytogenetic location: 17q24.1.
Variant type: Duplication.
Identifiers: ClinVar variation 533275 (VCV000533275.1).

ClinVar aggregate classification (germline): Uncertain significance (1 of 4 stars; one submission).

Conditions:
Oligodontia-cancer predisposition syndrome. Also called: TOOTH AGENESIS-COLORECTAL CANCER SYNDROME. Identifiers: Orphanet 300576, MedGen C1837750, MONDO:0012075, OMIM 608615. Disease mechanism: loss of function.

Submission:

Labcorp Genetics (formerly Invitae), Labcorp
Classification: Uncertain significance for Oligodontia-cancer predisposition syndrome. Last evaluated: 2017-11-22. Review status: criteria provided, single submitter. Criteria: Invitae Variant Classification Sherloc (09022015). Collection method: clinical testing. Allele origin: germline.
Comment: A gross duplication of the genomic region encompassing the full coding sequence of the AXIN2 gene has been identified. The boundaries of this event are unknown as the duplication extends beyond the assayed region for this gene and therefore may encompass additional genes. As the precise location of this duplication is unknown, it may be in tandem or it may be located elsewhere in the genome. Whole gene duplication of AXIN2 has not been reported in the literature in individuals with an AXIN2-related disease. In summary, the exact genomic location of this variant is unknown and the impact of this duplication on AXIN2 protein function has not been established. Therefore, it has been classified as a Variant of Uncertain Significance.